The following is an entry in ClinVar:

NM_001330078.2(NRXN1):c.134A>G (p.Lys45Arg)

Gene: NRXN1 (neurexin 1; minus strand). Cytogenetic location: 2p16.3.
Variant type: single nucleotide variant.
Coding change: c.134A>G on transcript NM_001330078.2 (MANE Select); coding-DNA position 134, A replaced by G.
Protein change: p.Lys45Arg; replaces lysine 45 with arginine.
Molecular consequence: missense variant.
Genome position (GRCh38, 1-based): chr2:51,028,140, T>C on the plus strand (A>G on the coding strand, the complement: NRXN1 is on the minus strand). VCF-style: chr2-51028140-T-C. GRCh37 (hg19) VCF-style: chr2-51255278-T-C.
Other names: c.134A>G, p.Lys45Arg (NM_001135659.3, NM_001330077.2, NM_001330079.2 and 15 more transcripts); short protein forms K45R.
Identifiers: ClinVar variation 1718692 (VCV001718692.5), dbSNP rs1670899012, ClinGen allele CA346824638.

ClinVar aggregate classification (germline): Uncertain significance (1 of 4 stars; one submission).

Conditions:
Pitt-Hopkins-like syndrome 2 (PTHSL2). Identifiers: Orphanet 221150, Orphanet 600663, MedGen C3280479, MONDO:0013690, OMIM 614325.

Allele frequency attached by ClinVar (database versions not stated): gnomAD 0.00001.
gnomAD v4.1: 2 of 1,555,078 alleles (0.00013%); highest among the groups gnomAD compares: African/African-American, 0.0014%; no homozygotes.

Submission:

Labcorp Genetics (formerly Invitae), Labcorp
Classification: Uncertain significance for Pitt-Hopkins-like syndrome 2. Last evaluated: 2023-08-24. Review status: criteria provided, single submitter. Criteria: Invitae Variant Classification Sherloc (09022015). Collection method: clinical testing. Allele origin: germline.
Comment: In summary, the available evidence is currently insufficient to determine the role of this variant in disease. Therefore, it has been classified as a Variant of Uncertain Significance. An algorithm developed to predict the effect of missense changes on protein structure and function (PolyPhen-2) suggests that this variant is likely to be tolerated. This sequence change replaces lysine, which is basic and polar, with arginine, which is basic and polar, at codon 45 of the NRXN1 protein (p.Lys45Arg). This variant is not present in population databases (gnomAD no frequency). This variant has not been reported in the literature in individuals affected with NRXN1-related conditions. ClinVar contains an entry for this variant (Variation ID: 1718692).